The following is an entry in ClinVar:

NM_003873.7(NRP1):c.1070C>A (p.Thr357Asn)

Gene: NRP1 (neuropilin 1; minus strand). Cytogenetic location: 10p11.22.
Variant type: single nucleotide variant.
Coding change: c.1070C>A on transcript NM_003873.7 (MANE Select); coding-DNA position 1070, C replaced by A.
Protein change: p.Thr357Asn; replaces threonine 357 with asparagine.
Molecular consequence: missense variant. On other transcripts: non-coding transcript variant (1).
Genome position (GRCh38, 1-based): chr10:33,226,201, G>T on the plus strand (C>A on the coding strand, the complement: NRP1 is on the minus strand). VCF-style: chr10-33226201-G-T. GRCh37 (hg19) VCF-style: chr10-33515129-G-T.
Other names: c.1070C>A, p.Thr357Asn (NM_001024628.3, NM_001024629.3, NM_001244972.2 and 2 more transcripts); short protein forms T357N.
Identifiers: ClinVar variation 3350869 (VCV003350869.2).
Genomic context (GRCh38, chr10:33,226,201, plus strand): 5'-TTGTTTCCTTCTTTTATGGTGATCCAGTCTTCCCCGTTGGAGCTAACGTCGATCTTGTAA[G>T]TCTTGACATAATATTTCTTCTTGGTTTCTTTTGAAATGGCGCCCTGTGTCCCGACAGCCG-3'
Protein context (NP_003864.5, residues 347-367): KETKKKYYVK[Thr357Asn]YKIDVSSNGE

ClinVar aggregate classification (germline): Uncertain significance (1 of 4 stars; one submission).

Conditions:
NRP1-related disorder. Also called: NRP1-related condition.

Submission:

PreventionGenetics, part of Exact Sciences
Classification: Uncertain significance for NRP1-related condition. Last evaluated: 2026-04-22. Review status: criteria provided, single submitter. Criteria: ACMG Guidelines, 2015. Collection method: clinical testing. Allele origin: germline.
Comment: The NRP1 c.1070C>A variant is predicted to result in the amino acid substitution p.Thr357Asn. To our knowledge, this variant has not been reported in the literature. This variant is reported in 0.011% of alleles in individuals of European (Non-Finnish) descent in gnomAD. At this time, the clinical significance of this variant is uncertain due to the absence of conclusive functional and genetic evidence.